The following is an entry in ClinVar:

ClinVar aggregate classification (germline): Uncertain significance (1 of 4 stars; one submission).

Allele frequency attached by ClinVar (database versions not stated): gnomAD 0.00001; gnomAD exomes 0.00002; TOPMed 0.00002.
gnomAD v4.1: 27 of 1,613,842 alleles (0.0017%); highest among the groups gnomAD compares: Non-Finnish European, 0.0023%; no homozygotes.

Submission:

Labcorp Genetics (formerly Invitae), Labcorp
Classification: Uncertain significance. Last evaluated: 2022-04-12. Review status: criteria provided, single submitter. Criteria: Invitae Variant Classification Sherloc (09022015). Collection method: clinical testing. Allele origin: germline.
Comment: In summary, the available evidence is currently insufficient to determine the role of this variant in disease. Therefore, it has been classified as a Variant of Uncertain Significance. Algorithms developed to predict the effect of sequence changes on RNA splicing suggest that this variant may disrupt the consensus splice site. Algorithms developed to predict the effect of missense changes on protein structure and function are either unavailable or do not agree on the potential impact of this missense change (SIFT: "Deleterious"; PolyPhen-2: "Possibly Damaging"; Align-GVGD: "Class C0"). This variant has not been reported in the literature in individuals affected with HERC1-related conditions. This variant is present in population databases (no rsID available, gnomAD 0.0009%). This sequence change replaces valine, which is neutral and non-polar, with alanine, which is neutral and non-polar, at codon 93 of the HERC1 protein (p.Val93Ala).

NM_003922.4(HERC1):c.278T>C (p.Val93Ala)

Gene: HERC1 (HECT and RLD domain containing E3 ubiquitin protein ligase family member 1; minus strand). Cytogenetic location: 15q22.31.
Variant type: single nucleotide variant.
Coding change: c.278T>C on transcript NM_003922.4 (MANE Select); coding-DNA position 278, T replaced by C.
Protein change: p.Val93Ala; replaces valine 93 with alanine.
Molecular consequence: missense variant.
Genome position (GRCh38, 1-based): chr15:63,775,346, A>G on the plus strand (T>C on the coding strand, the complement: HERC1 is on the minus strand). VCF-style: chr15-63775346-A-G. GRCh37 (hg19) VCF-style: chr15-64067545-A-G.
Other names: short protein forms V93A.
Identifiers: ClinVar variation 1948450 (VCV001948450.5), dbSNP rs919751060, ClinGen allele CA272111697.